The following is an entry in ClinVar:

NM_032043.3(BRIP1):c.959G>A (p.Ser320Asn)

Gene: BRIP1 (BRCA1 interacting DNA helicase 1; minus strand). Cytogenetic location: 17q23.2.
Variant type: single nucleotide variant.
Coding change: c.959G>A on transcript NM_032043.3 (MANE Select); coding-DNA position 959, G replaced by A.
Protein change: p.Ser320Asn; replaces serine 320 with asparagine.
Molecular consequence: missense variant.
Genome position (GRCh38, 1-based): chr17:61,801,434, C>T on the plus strand (G>A on the coding strand, the complement: BRIP1 is on the minus strand). VCF-style: chr17-61801434-C-T. GRCh37 (hg19) VCF-style: chr17-59878795-C-T.
Other names: short protein forms S320N.
Identifiers: ClinVar variation 2449931 (VCV002449931.2), dbSNP rs746681841, ClinGen allele CA8690822.

ClinVar aggregate classification (germline): Uncertain significance (1 of 4 stars; one submission).

Conditions:
Hereditary cancer-predisposing syndrome. Also called: Neoplastic Syndromes, Hereditary; Tumor predisposition; Hereditary neoplastic syndrome; Hereditary Cancer Syndrome. Identifiers: Orphanet 140162, MedGen C0027672, MeSH D009386, MONDO:0015356.

Allele frequency attached by ClinVar (database versions not stated): gnomAD exomes below 0.00001; ExAC 0.00001; gnomAD 0.00001.
gnomAD v4.1: 3 of 1,613,618 alleles (0.00019%); highest among the groups gnomAD compares: South Asian, 0.0033%; no homozygotes.

Submission:

Ambry Genetics
Classification: Uncertain significance for Hereditary cancer-predisposing syndrome. Last evaluated: 2023-01-27. Review status: criteria provided, single submitter. Criteria: Ambry Variant Classification Scheme 2023. Collection method: clinical testing. Allele origin: germline.
Comment: The p.S320N variant (also known as c.959G>A), located in coding exon 7 of the BRIP1 gene, results from a G to A substitution at nucleotide position 959. The serine at codon 320 is replaced by asparagine, an amino acid with highly similar properties. This amino acid position is not well conserved in available vertebrate species. In addition, this alteration is predicted to be tolerated by in silico analysis. Since supporting evidence is limited at this time, the clinical significance of this alteration remains unclear.